The following is an entry in ClinVar:

ClinVar aggregate classification (germline): Uncertain significance (1 of 4 stars; one submission).

Conditions:
Benign neonatal seizures. Also called: Benign neonatal familial convulsions; Convulsions benign familial neonatal dominant form; Autosomal dominant form of benign neonatal seizures; Benign familial neonatal seizures; Benign familial neonatal epilepsy. Identifiers: Orphanet 1949, MedGen C0220669, MONDO:0016027.

Submission:

Labcorp Genetics (formerly Invitae), Labcorp
Classification: Uncertain significance for Benign neonatal seizures. Last evaluated: 2024-03-20. Review status: criteria provided, single submitter. Criteria: Invitae Variant Classification Sherloc (09022015). Collection method: clinical testing. Allele origin: germline.
Comment: This sequence change replaces arginine, which is basic and polar, with proline, which is neutral and non-polar, at codon 236 of the KCNQ3 protein (p.Arg236Pro). This variant is not present in population databases (gnomAD no frequency). This variant has not been reported in the literature in individuals affected with KCNQ3-related conditions. ClinVar contains an entry for this variant (Variation ID: 2113306). Advanced modeling of protein sequence and biophysical properties (such as structural, functional, and spatial information, amino acid conservation, physicochemical variation, residue mobility, and thermodynamic stability) performed at Invitae indicates that this missense variant is expected to disrupt KCNQ3 protein function with a positive predictive value of 80%. In summary, the available evidence is currently insufficient to determine the role of this variant in disease. Therefore, it has been classified as a Variant of Uncertain Significance.

NM_004519.4(KCNQ3):c.707G>C (p.Arg236Pro)

Gene: KCNQ3 (potassium voltage-gated channel subfamily Q member 3; minus strand). Cytogenetic location: 8q24.22.
Variant type: single nucleotide variant.
Coding change: c.707G>C on transcript NM_004519.4 (MANE Select); coding-DNA position 707, G replaced by C.
Protein change: p.Arg236Pro; replaces arginine 236 with proline.
Molecular consequence: missense variant.
Genome position (GRCh38, 1-based): chr8:132,180,227, C>G on the plus strand (G>C on the coding strand, the complement: KCNQ3 is on the minus strand). VCF-style: chr8-132180227-C-G. GRCh37 (hg19) VCF-style: chr8-133192474-C-G.
Other names: c.347G>C, p.Arg116Pro (NM_001204824.2); short protein forms R116P, R236P.
Identifiers: ClinVar variation 2113306 (VCV002113306.4), dbSNP rs750016305, ClinGen allele CA372290802.